The following is an entry in ClinVar:

NM_001122630.2(CDKN1C):c.598G>A (p.Ala200Thr)

Gene: CDKN1C (cyclin dependent kinase inhibitor 1C; minus strand). Cytogenetic location: 11p15.4.
Variant type: single nucleotide variant.
Coding change: c.598G>A on transcript NM_001122630.2 (MANE Select); coding-DNA position 598, G replaced by A.
Protein change: p.Ala200Thr; replaces alanine 200 with threonine.
Molecular consequence: missense variant. On other transcripts: intron variant (1).
Genome position (GRCh38, 1-based): chr11:2,884,859, C>T on the plus strand (G>A on the coding strand, the complement: CDKN1C is on the minus strand). VCF-style: chr11-2884859-C-T. GRCh37 (hg19) VCF-style: chr11-2906089-C-T.
Other names: c.631G>A, p.Ala211Thr (NM_000076.2, NM_001362474.2, LRG_533t1); c.598G>A, p.Ala200Thr (NM_001122631.2); c.255+343G>A (NM_001362475.2); short protein forms A211T, A200T.
Identifiers: ClinVar variation 156580 (VCV000156580.9), dbSNP rs1060500178, ClinGen allele CA16609694.

ClinVar aggregate classification (germline): Uncertain significance (1 of 4 stars; one submission).

Conditions:
Beckwith-Wiedemann syndrome (BWS). Also called: Exomphalos macroglossia gigantism syndrome; EMG SYNDROME. Identifiers: Orphanet 116, MedGen C0004903, MONDO:0007534, OMIM 130650.

Allele frequency attached by ClinVar (database versions not stated): gnomAD 0.00001.

Submission:

Labcorp Genetics (formerly Invitae), Labcorp
Classification: Uncertain significance for Beckwith-Wiedemann syndrome. Last evaluated: 2025-04-28. Review status: criteria provided, single submitter. Criteria: Invitae Variant Classification Sherloc (09022015). Collection method: clinical testing. Allele origin: germline.
Comment: This sequence change replaces alanine, which is neutral and non-polar, with threonine, which is neutral and polar, at codon 211 of the CDKN1C protein (p.Ala211Thr). The frequency data for this variant in the population databases is considered unreliable, as metrics indicate insufficient coverage at this position in the gnomAD database. This variant has not been reported in the literature in individuals affected with CDKN1C-related conditions. ClinVar contains an entry for this variant (Variation ID: 156580). Invitae Evidence Modeling of protein sequence and biophysical properties (such as structural, functional, and spatial information, amino acid conservation, physicochemical variation, residue mobility, and thermodynamic stability) indicates that this missense variant is not expected to disrupt CDKN1C protein function with a negative predictive value of 80%. In summary, the available evidence is currently insufficient to determine the role of this variant in disease. Therefore, it has been classified as a Variant of Uncertain Significance.